The following is an entry in ClinVar:

ClinVar aggregate classification (germline): Uncertain significance (1 of 4 stars; one submission).

Conditions:
Congenital factor V deficiency. Also called: LABILE FACTOR DEFICIENCY; OWREN PARAHEMOPHILIA; PARAHEMOPHILIA; Hereditary factor V deficiency disease. Identifiers: Orphanet 326, MedGen C0015499, MONDO:0009210, OMIM 227400.

gnomAD v4.1: 15 of 1,613,848 alleles (0.00093%); highest among the groups gnomAD compares: Non-Finnish European, 0.0013%; no homozygotes.

Submission:

Labcorp Genetics (formerly Invitae), Labcorp
Classification: Uncertain significance for Congenital factor V deficiency. Last evaluated: 2024-10-12. Review status: criteria provided, single submitter. Criteria: Invitae Variant Classification Sherloc (09022015). Collection method: clinical testing. Allele origin: germline.
Comment: This sequence change replaces methionine, which is neutral and non-polar, with threonine, which is neutral and polar, at codon 471 of the F5 protein (p.Met471Thr). This variant is present in population databases (no rsID available, gnomAD 0.007%). This variant has not been reported in the literature in individuals affected with F5-related conditions. Invitae Evidence Modeling of protein sequence and biophysical properties (such as structural, functional, and spatial information, amino acid conservation, physicochemical variation, residue mobility, and thermodynamic stability) indicates that this missense variant is not expected to disrupt F5 protein function with a negative predictive value of 80%. In summary, the available evidence is currently insufficient to determine the role of this variant in disease. Therefore, it has been classified as a Variant of Uncertain Significance.

NM_000130.5(F5):c.1412T>C (p.Met471Thr)

Gene: F5 (coagulation factor V; minus strand). Cytogenetic location: 1q24.2.
Variant type: single nucleotide variant.
Coding change: c.1412T>C on transcript NM_000130.5 (MANE Select); coding-DNA position 1412, T replaced by C.
Protein change: p.Met471Thr; replaces methionine 471 with threonine.
Molecular consequence: missense variant.
Genome position (GRCh38, 1-based): chr1:169,550,000, A>G on the plus strand (T>C on the coding strand, the complement: F5 is on the minus strand). VCF-style: chr1-169550000-A-G. GRCh37 (hg19) VCF-style: chr1-169519238-A-G.
Other names: short protein forms M471T.
Identifiers: ClinVar variation 3716952 (VCV003716952.1).